The following is an entry in ClinVar:

NM_002381.5(MATN3):c.524C>G (p.Thr175Arg)

Gene: MATN3 (matrilin 3; minus strand). Cytogenetic location: 2p24.1.
Variant type: single nucleotide variant.
Coding change: c.524C>G on transcript NM_002381.5 (MANE Select); coding-DNA position 524, C replaced by G.
Protein change: p.Thr175Arg; replaces threonine 175 with arginine.
Molecular consequence: missense variant.
Genome position (GRCh38, 1-based): chr2:20,006,010, G>C on the plus strand (C>G on the coding strand, the complement: MATN3 is on the minus strand). VCF-style: chr2-20006010-G-C. GRCh37 (hg19) VCF-style: chr2-20205771-G-C.
Other names: short protein forms T175R.
Identifiers: ClinVar variation 3658122 (VCV003658122.2).

ClinVar aggregate classification (germline): Uncertain significance (1 of 4 stars; one submission).

Submission:

Labcorp Genetics (formerly Invitae), Labcorp
Classification: Uncertain significance. Last evaluated: 2024-07-04. Review status: criteria provided, single submitter. Criteria: Invitae Variant Classification Sherloc (09022015). Collection method: clinical testing. Allele origin: germline.
Comment: This sequence change replaces threonine, which is neutral and polar, with arginine, which is basic and polar, at codon 175 of the MATN3 protein (p.Thr175Arg). This variant is not present in population databases (gnomAD no frequency). This variant has not been reported in the literature in individuals affected with MATN3-related conditions. Advanced modeling of protein sequence and biophysical properties (such as structural, functional, and spatial information, amino acid conservation, physicochemical variation, residue mobility, and thermodynamic stability) performed at Invitae indicates that this missense variant is not expected to disrupt MATN3 protein function with a negative predictive value of 80%. In summary, the available evidence is currently insufficient to determine the role of this variant in disease. Therefore, it has been classified as a Variant of Uncertain Significance.